The following is an entry in ClinVar:

NM_177438.3(DICER1):c.2720T>C (p.Ile907Thr)

Gene: DICER1 (dicer 1, ribonuclease III; minus strand). Cytogenetic location: 14q32.13.
Variant type: single nucleotide variant.
Coding change: c.2720T>C on transcript NM_177438.3 (MANE Select); coding-DNA position 2720, T replaced by C.
Protein change: p.Ile907Thr; replaces isoleucine 907 with threonine.
Molecular consequence: missense variant.
Genome position (GRCh38, 1-based): chr14:95,107,692, A>G on the plus strand (T>C on the coding strand, the complement: DICER1 is on the minus strand). VCF-style: chr14-95107692-A-G. GRCh37 (hg19) VCF-style: chr14-95574029-A-G.
Other names: c.2720T>C, p.Ile907Thr (NM_001195573.1, NM_001271282.3, NM_001291628.2 and 1 more transcripts); short protein forms I907T.
Identifiers: ClinVar variation 412174 (VCV000412174.59), dbSNP rs200408568, ClinGen allele CA7331188.

ClinVar aggregate classification (germline): Conflicting classifications of pathogenicity. Review status: criteria provided, conflicting classifications (1 of 4 stars). 12 submissions from 12 submitters: Uncertain significance (8); Benign (1); Likely benign (3). Last evaluated 2026-09-13.

Conditions:
DICER1-related disorder. Also called: DICER1-related condition.
DICER1-related tumor predisposition. Also called: DICER1 syndrome; DICER1-related pleuropulmonary blastoma cancer predisposition syndrome. Identifiers: Orphanet 284343, MedGen C3839822, MONDO:0100216.
Hereditary cancer-predisposing syndrome. Also called: Tumor predisposition; Hereditary neoplastic syndrome; Hereditary Cancer Syndrome; Neoplastic Syndromes, Hereditary. Identifiers: Orphanet 140162, MedGen C0027672, MeSH D009386, MONDO:0015356.

Allele frequency attached by ClinVar (database versions not stated): gnomAD exomes 0.00004; ExAC 0.00007; TOPMed 0.00005; gnomAD 0.00006.
gnomAD v4.1: 43 of 1,604,888 alleles (0.0027%); highest among the groups gnomAD compares: Middle Eastern, 0.033%; no homozygotes.

Submissions (12):

PreventionGenetics, part of Exact Sciences
Classification: Uncertain significance for DICER1-related condition. Last evaluated: 2026-09-13. Review status: criteria provided, single submitter. Criteria: ACMG Guidelines, 2015. Collection method: clinical testing. Allele origin: germline.
Comment: The DICER1 c.2720T>C variant is predicted to result in the amino acid substitution p.Ile907Thr. This variant has been reported in one individual with pediatric leukemia (Zhang et al 2015. PubMed ID: 26580448). This variant is reported in 0.012% of alleles in individuals of African descent in gnomAD and has conflicting interpretations regarding its pathogenicity in ClinVar, ranging from benign to uncertain significance (Variation ID: 412174). Although we suspect that this variant may be benign, at this time, the clinical significance of this variant is uncertain due to the absence of conclusive functional and genetic evidence.

Labcorp Genetics (formerly Invitae), Labcorp
Classification: Likely benign for DICER1-related tumor predisposition. Last evaluated: 2026-02-04. Review status: criteria provided, single submitter. Criteria: Invitae Variant Classification Sherloc (09022015). Collection method: clinical testing. Allele origin: germline.

Dasa
Classification: Uncertain significance. Last evaluated: 2025-05-30. Review status: criteria provided, single submitter. Criteria: DASA Assertion Criteria. Collection method: clinical testing. Allele origin: germline.
Comment: NM_177438.3(DICER1):c.2720T>C (p.Ile907Thr) is a missense variant that results in the substitution of isoleucine with threonine. This variant is rare in population databases. Computational prediction algorithms are consistent with a benign effect. The currently available literature and clinical evidence are not sufficient to establish a definitive association between this variant and the reported condition. Therefore, this variant is classified as a variant of uncertain significance.

GeneDx
Classification: Uncertain significance. Last evaluated: 2025-03-11. Review status: criteria provided, single submitter. Criteria: GeneDx Variant Classification Process June 2021. Collection method: clinical testing. Allele origin: germline. Affected: yes.
Comment: In silico analysis indicates that this missense variant does not alter protein structure/function; Observed in a pediatric leukemia patient (PMID: 26580448); This variant is associated with the following publications: (PMID: 26580448)

Center for Genomic Medicine, Rigshospitalet, Copenhagen University Hospital
Classification: Uncertain significance. Last evaluated: 2025-03-04. Review status: criteria provided, single submitter. Criteria: ACMG Guidelines, 2015. Collection method: clinical testing. Allele origin: germline.

Hereditary Cancer Group, L’Institut d'Investigació Biomèdica de Bellvitge
Classification: Uncertain significance for Hereditary cancer-predisposing syndrome. Last evaluated: 2024-12-19. Review status: criteria provided, single submitter. Criteria: Hatton et al. (Hum Mutat. 2023). Collection method: clinical testing. Allele origin: germline. Inheritance: Autosomal dominant inheritance. Affected: yes.
Comment: BP4

Ambry Genetics
Classification: Likely benign for Hereditary cancer-predisposing syndrome. Last evaluated: 2024-02-16. Review status: criteria provided, single submitter. Criteria: Ambry Variant Classification Scheme 2023. Collection method: clinical testing. Allele origin: germline.

CeGaT Center for Human Genetics Tuebingen
Classification: Likely benign. Last evaluated: 2023-08-01. Review status: criteria provided, single submitter. Criteria: CeGaT Center For Human Genetics Tuebingen Variant Classification Criteria Version 2. Collection method: clinical testing. Allele origin: germline. Affected: yes. Observed: 1 variant allele.
Comment: DICER1: BP1

Sema4
Classification: Uncertain significance for Hereditary cancer-predisposing syndrome. Last evaluated: 2021-12-18. Review status: criteria provided, single submitter. Criteria: Sema4 Curation Guidelines. Collection method: curation. Allele origin: germline.
Comment: The DICER1 c.2720T>C (p.I907T) variant has been reported in heterozygosity in at least one individual with pediatric BCR-ABL1-like B-lymphoblastic leukemia/ lymphoma (PMID: 26580448). It was observed in 3/24952 chromosomes of the African/African American subpopulation in the large and broad cohorts of the Genome Aggregation Database (PMID: 32461654). This variant has been reported in ClinVar (Variation ID: 412174). In silico tools suggest the impact of the variant on protein function is benign, though these predictions have not been confirmed by functional studies. The overall evidence is insufficient to meet ACMG/AMP criteria for classifying the variant as benign or pathogenic. Thus, the clinical significance of this variant is currently uncertain.

Quest Diagnostics Nichols Institute San Juan Capistrano
Classification: Uncertain significance. Last evaluated: 2021-08-27. Review status: criteria provided, single submitter. Criteria: Quest Diagnostics criteria. Collection method: clinical testing. Allele origin: unknown.

St. Jude Molecular Pathology, St. Jude Children's Research Hospital
Classification: Uncertain significance for DICER1-related tumor predisposition. Last evaluated: 2020-09-16. Review status: criteria provided, single submitter. Criteria: St. Jude Assertion Criteria 2020. Collection method: clinical testing. Allele origin: germline.

Illumina Laboratory Services, Illumina
Classification: Benign for Pleuropulmonary blastoma. Last evaluated: 2018-03-26. Review status: criteria provided, single submitter. Criteria: ICSL Variant Classification Criteria 13 December 2019. Collection method: clinical testing. Allele origin: germline.
Comment: This variant was observed in the ICSL laboratory as part of a predisposition screen in an ostensibly healthy population. It had not been previously curated by ICSL or reported in the Human Gene Mutation Database (HGMD: prior to June 1st, 2018), and was therefore a candidate for classification through an automated scoring system. Utilizing variant allele frequency, disease prevalence and penetrance estimates, and inheritance mode, an automated score was calculated to assess if this variant is too frequent to cause the disease. Based on the score and internal cut-off values, a variant classified as benign is not then subjected to further curation. The score for this variant resulted in a classification of benign for this disease.

Literature cited by the submitters: PubMed 26580448 (cited by Sema4).